The following is an entry in ClinVar:

ClinVar aggregate classification (germline): Uncertain significance (1 of 4 stars; one submission).

Submission:

GeneDx
Classification: Uncertain significance. Last evaluated: 2012-11-01. Review status: criteria provided, single submitter. Criteria: GeneDx Variant Classification (06012015). Collection method: clinical testing. Allele origin: germline. Affected: yes.
Comment: The Asp648Asn missense change has not been published as a mutation, nor has it been reported as a benign polymorphism to our knowledge. The NHLBI ESP Exome Variant Project has not identified Asp648Asn in approximately 6,500 individuals of European or African American ethnicity, indicating that it is not a common benign variant in these populations. The amino acid substitution is non-conservative, as a negatively charged Aspartic acid residue is replaced by an uncharged Asparagine residue. Asp648Asn alters a highly conserved position in a laminin G domain of the neurexin1 protein. However, other missense mutations in this region of the protein have not been reported and while one in silico algorithm predicts Asp648Asn may be damaging to the structure/function of the neurexin1 protein, other models predict it may be benign. Therefore, based on the currently available information, it is unclear whether Asp648Asn is a disease-causing mutation or a rare benign variant. The variant is found in EPILEPSY panel(s).

NM_001330078.2(NRXN1):c.1822G>A (p.Asp608Asn)

Gene: NRXN1 (neurexin 1; minus strand). Cytogenetic location: 2p16.3.
Variant type: single nucleotide variant.
Coding change: c.1822G>A on transcript NM_001330078.2 (MANE Select); coding-DNA position 1822, G replaced by A.
Protein change: p.Asp608Asn; replaces aspartic acid 608 with asparagine.
Molecular consequence: missense variant.
Genome position (GRCh38, 1-based): chr2:50,538,574, C>T on the plus strand (G>A on the coding strand, the complement: NRXN1 is on the minus strand). VCF-style: chr2-50538574-C-T. GRCh37 (hg19) VCF-style: chr2-50765712-C-T.
Other names: p.D648N:GAC>AAC; c.1942G>A, p.Asp648Asn (NM_001135659.3); c.1798G>A, p.Asp600Asn (NM_001330077.2, NM_001330082.2, NM_001330095.2); c.1783G>A, p.Asp595Asn (NM_001330083.2, NM_001330084.2); c.1822G>A, p.Asp608Asn (NM_001330085.2, NM_001330086.2, NM_004801.6); c.1738G>A, p.Asp580Asn (NM_001330087.2, NM_001330096.2); c.1768G>A, p.Asp590Asn (NM_001330088.2); c.1819G>A, p.Asp607Asn (NM_001330093.2); and 1 more; short protein forms D648N, D580N, D590N, D604N, D600N, D595N, D607N, D608N.
Identifiers: ClinVar variation 206225 (VCV000206225.2), dbSNP rs796052771, ClinGen allele CA316099.
Genomic context (GRCh38, chr2:50,538,574, plus strand): 5'-GGAAGACAAGGCCAGCTTTATTTTCTGGCAGCCCCCCCAGGTACAACTCATCATCCAGGT[C>T]CAGAATCTCACTCTCACCAGGAGCAGTGTAGGGAGTACGCAACGTGTTGACAGAAATGGT-3'
Protein context (NP_001317007.1, residues 598-618): YTAPGESEIL[Asp608Asn]LDDELYLGGL